The following is an entry in ClinVar:

ClinVar aggregate classification (germline): Conflicting classifications of pathogenicity. Review status: criteria provided, conflicting classifications (1 of 4 stars). 7 submissions from 7 submitters: Uncertain significance (1); Likely benign (6). Last evaluated 2026-02-03.

Conditions:
Cerebroretinal microangiopathy with calcifications and cysts 1 (CRMCC1). Identifiers: Orphanet 313838, MedGen C4552029, MONDO:0024564, OMIM 612199.
Dyskeratosis congenita. Identifiers: Orphanet 1775, MedGen C0265965, MONDO:0015780.

Allele frequency attached by ClinVar (database versions not stated): ESP Exome Variant Server 0.00008; ExAC 0.00012; gnomAD exomes 0.00019; 1000 Genomes Project 0.00020; 1000 Genomes Project 30x 0.00031; TOPMed 0.00032; gnomAD 0.00034 and 0.00036.
gnomAD v4.1: 345 of 1,569,292 alleles (0.022%); highest among the groups gnomAD compares: Non-Finnish European, 0.027%; no homozygotes.

Submissions (7):

Labcorp Genetics (formerly Invitae), Labcorp
Classification: Likely benign for Dyskeratosis congenita. Last evaluated: 2026-02-03. Review status: criteria provided, single submitter. Criteria: Invitae Variant Classification Sherloc (09022015). Collection method: clinical testing. Allele origin: germline.

CeGaT Center for Human Genetics Tuebingen
Classification: Likely benign. Last evaluated: 2026-01-01. Review status: criteria provided, single submitter. Criteria: CeGaT Center For Human Genetics Tuebingen Variant Classification Criteria Version 2. Collection method: clinical testing. Allele origin: germline. Affected: yes. Observed: 5 variant alleles.
Comment: CTC1: BP4, BP7

Blueprint Genetics
Classification: Likely benign. Last evaluated: 2024-11-27. Review status: criteria provided, single submitter. Criteria: ACMG Guidelines, 2015. Collection method: clinical testing. Allele origin: germline.

ARUP Laboratories, Molecular Genetics and Genomics, ARUP Laboratories
Classification: Likely benign for Cerebroretinal microangiopathy with calcifications and cysts 1. Last evaluated: 2024-02-07. Review status: criteria provided, single submitter. Criteria: ARUP Molecular Germline Variant Investigation Process 2024. Collection method: clinical testing. Allele origin: germline.

Genome-Nilou Lab
Classification: Likely benign for Cerebroretinal microangiopathy with calcifications and cysts 1. Last evaluated: 2021-07-15. Review status: criteria provided, single submitter. Criteria: ACMG Guidelines, 2015. Collection method: clinical testing. Allele origin: germline. Affected: no.

Sema4
Classification: Likely benign for Dyskeratosis congenita. Last evaluated: 2021-06-14. Review status: criteria provided, single submitter. Criteria: Sema4 Curation Guidelines. Collection method: curation. Allele origin: germline.

Illumina Laboratory Services, Illumina
Classification: Uncertain significance for Dyskeratosis congenita. Last evaluated: 2018-01-12. Review status: criteria provided, single submitter. Criteria: ICSL Variant Classification Criteria 13 December 2019. Collection method: clinical testing. Allele origin: germline.

NM_025099.6(CTC1):c.1734C>T (p.Ala578=)

Gene: CTC1 (CST telomere replication complex component 1; minus strand). Cytogenetic location: 17p13.1.
Variant type: single nucleotide variant.
Coding change: c.1734C>T on transcript NM_025099.6 (MANE Select); coding-DNA position 1734, C replaced by T.
Protein change: p.Ala578=; no amino-acid change (alanine 578 retained).
Molecular consequence: synonymous variant. On other transcripts: non-coding transcript variant (1).
Genome position (GRCh38, 1-based): chr17:8,234,539, G>A on the plus strand (C>T on the coding strand, the complement: CTC1 is on the minus strand). VCF-style: chr17-8234539-G-A. GRCh37 (hg19) VCF-style: chr17-8137857-G-A.
Identifiers: ClinVar variation 326078 (VCV000326078.47), dbSNP rs374985738, ClinGen allele CA8372267.